The following is an entry in ClinVar:

NM_152542.5(PPM1K):c.110C>T (p.Thr37Met)

Gene: PPM1K (protein phosphatase, Mg2+/Mn2+ dependent 1K; minus strand). Cytogenetic location: 4q22.1.
Variant type: single nucleotide variant.
Coding change: c.110C>T on transcript NM_152542.5 (MANE Select); coding-DNA position 110, C replaced by T.
Protein change: p.Thr37Met; replaces threonine 37 with methionine.
Molecular consequence: missense variant.
Genome position (GRCh38, 1-based): chr4:88,278,474, G>A on the plus strand (C>T on the coding strand, the complement: PPM1K is on the minus strand). VCF-style: chr4-88278474-G-A. GRCh37 (hg19) VCF-style: chr4-89199626-G-A.
Other names: short protein forms T37M.
Identifiers: ClinVar variation 1406700 (VCV001406700.6), dbSNP rs537053098, ClinGen allele CA3005358.
Genomic context (GRCh38, chr4:88,278,474, plus strand): 5'-CTCCCACTACCATCTGGGTCAAACCGAGAACACCTAGGCTCTGAAGTGGAGCTGTGGCAC[G>A]TGGGTGTCACCCGCCTGTCGTCCTGCAGCAGGCGGGAGCTTAGCAGCACTCTCCTTCTCA-3'
Protein context (NP_689755.3, residues 27-47): LLQDDRRVTP[Thr37Met]CHSSTSEPRC

ClinVar aggregate classification (germline): Uncertain significance (1 of 4 stars; one submission).

Conditions:
Maple syrup urine disease, mild variant (MSUDMV). Identifiers: Orphanet 511, MedGen C3554575, MONDO:0014057, OMIM 615135.

Allele frequency attached by ClinVar (database versions not stated): gnomAD 0.00003 and 0.00004; gnomAD exomes 0.00003 and 0.00006; TOPMed 0.00006; ExAC 0.00008; 1000 Genomes Project 0.00020; 1000 Genomes Project 30x 0.00031.

Submission:

Labcorp Genetics (formerly Invitae), Labcorp
Classification: Uncertain significance for Maple syrup urine disease, mild variant. Last evaluated: 2025-04-24. Review status: criteria provided, single submitter. Criteria: Invitae Variant Classification Sherloc (09022015). Collection method: clinical testing. Allele origin: germline.
Comment: This sequence change replaces threonine, which is neutral and polar, with methionine, which is neutral and non-polar, at codon 37 of the PPM1K protein (p.Thr37Met). This variant is present in population databases (rs537053098, gnomAD 0.007%). This variant has not been reported in the literature in individuals affected with PPM1K-related conditions. ClinVar contains an entry for this variant (Variation ID: 1406700). An algorithm developed to predict the effect of missense changes on protein structure and function outputs the following: PolyPhen-2: "Benign". The methionine amino acid residue is found in multiple mammalian species, which suggests that this missense change does not adversely affect protein function. In summary, the available evidence is currently insufficient to determine the role of this variant in disease. Therefore, it has been classified as a Variant of Uncertain Significance.